The following is an entry in ClinVar:

NM_152419.3(HGSNAT):c.1378G>A (p.Val460Ile)

Gene: HGSNAT (heparan-alpha-glucosaminide N-acetyltransferase; plus strand). Cytogenetic location: 8p11.21.
Variant type: single nucleotide variant.
Coding change: c.1378G>A on transcript NM_152419.3 (MANE Select); coding-DNA position 1378, G replaced by A.
Protein change: p.Val460Ile; replaces valine 460 with isoleucine.
Molecular consequence: missense variant.
Genome position (GRCh38, 1-based): chr8:43,193,757, G>A. VCF-style: chr8-43193757-G-A. GRCh37 (hg19) VCF-style: chr8-43048900-G-A.
Other names: c.1378G>A, p.Val460Ile (NM_001363227.2); c.1186G>A, p.Val396Ile (NM_001363228.2); c.514G>A, p.Val172Ile (NM_001363229.2); short protein forms V460I, V396I, V172I.
Identifiers: ClinVar variation 2144698 (VCV002144698.1), dbSNP rs1460685113, ClinGen allele CA371119808.

ClinVar aggregate classification (germline): Uncertain significance (1 of 4 stars; one submission).

Conditions:
Mucopolysaccharidosis, MPS-III-C (MPS3C). Also called: SANFILIPPO SYNDROME C; MPS III C; mucopolysaccharidosis type 3C; MUCOPOLYSACCHARIDOSIS, TYPE IIIC; MPS IIIC (Sanfilippo Syndrome Type C); Mucopolysaccharidosis type IIIC (Sanfilippo C). Identifiers: Orphanet 581, Orphanet 79271, MedGen C0086649, MONDO:0009657, OMIM 252930.
Retinitis pigmentosa 73 (RP73). Identifiers: Orphanet 791, MedGen C4225287, MONDO:0014687, OMIM 616544.

gnomAD v4.1: 17 of 1,610,314 alleles (0.0011%); highest among the groups gnomAD compares: Non-Finnish European, 0.0014%; no homozygotes.

Submission:

Labcorp Genetics (formerly Invitae), Labcorp
Classification: Uncertain significance for Retinitis pigmentosa 73; Mucopolysaccharidosis, MPS-III-C. Last evaluated: 2022-04-04. Review status: criteria provided, single submitter. Criteria: Invitae Variant Classification Sherloc (09022015). Collection method: clinical testing. Allele origin: germline.
Comment: This sequence change replaces valine, which is neutral and non-polar, with isoleucine, which is neutral and non-polar, at codon 460 of the HGSNAT protein (p.Val460Ile). This variant is present in population databases (no rsID available, gnomAD 0.004%). This variant has not been reported in the literature in individuals affected with HGSNAT-related conditions. Algorithms developed to predict the effect of missense changes on protein structure and function (SIFT, PolyPhen-2, Align-GVGD) all suggest that this variant is likely to be tolerated. Algorithms developed to predict the effect of sequence changes on RNA splicing suggest that this variant may disrupt the consensus splice site. In summary, the available evidence is currently insufficient to determine the role of this variant in disease. Therefore, it has been classified as a Variant of Uncertain Significance.